The following is an entry in ClinVar:

NM_018249.6(CDK5RAP2):c.4077_4080del (p.Ser1360fs)

Gene: CDK5RAP2 (CDK5 regulatory subunit associated protein 2; minus strand). Cytogenetic location: 9q33.2.
Variant type: Microsatellite.
Coding change: c.4077_4080del on transcript NM_018249.6 (MANE Select); coding-DNA positions 4077 to 4080, 4 bases deleted (CTCT; older notation c.4077_4080delCTCT).
Protein change: p.Ser1360fs; shifts the reading frame from serine 1360.
Molecular consequence: frameshift variant. On other transcripts: non-coding transcript variant (5).
Genome position (GRCh38, 1-based): chr9:120,419,885-120,419,888, AGAG deleted on the plus strand (CTCT on the coding strand, the reverse complement: CDK5RAP2 is on the minus strand); deleting any 4 consecutive bases within chr9:120,419,885-120,419,890 gives the same sequence; the c. name uses the placement nearest the transcript's 3' end. VCF-style (leftmost placement, unchanged base first): chr9-120419884-CAGAG-C. GRCh37 (hg19) VCF-style: chr9-123182162-CAGAG-C.
Other names: c.4077_4080del, p.Ser1360fs (NM_001011649.3); c.3387_3390del, p.Ser1130fs (NM_001272039.2); c.3978_3981del, p.Ser1327fs (NM_001410992.1); c.3981_3984del, p.Ser1328fs (NM_001410993.1); c.4074_4077del, p.Ser1359fs (NM_001410994.1); short protein forms S1130fs, S1327fs, S1328fs, S1359fs, S1360fs.
Identifiers: ClinVar variation 3604130 (VCV003604130.2).
Genomic context (GRCh38, chr9:120,419,884, plus strand): 5'-CTGTCTCATTATCTTGCTTCTGGTCTCGTGAGAAGAAGGACTTTTCAGATGTTTCATAAT[CAGAG>C]AGCGCATGAGAGGCTGAAGGCTCAGGAGATTCAGGCAGAAGATGTTGGTAGGTTAAGTTG-3'

ClinVar aggregate classification (germline): Pathogenic (1 of 4 stars; one submission).

Submission:

Labcorp Genetics (formerly Invitae), Labcorp
Classification: Pathogenic. Last evaluated: 2025-08-14. Review status: criteria provided, single submitter. Criteria: Invitae Variant Classification Sherloc (09022015). Collection method: clinical testing. Allele origin: germline.
Comment: This sequence change creates a premature translational stop signal (p.Ser1360Ilefs*27) in the CDK5RAP2 gene. It is expected to result in an absent or disrupted protein product. Loss-of-function variants in CDK5RAP2 are known to be pathogenic (PMID: 15793586, 20460369, 26436113). This variant is present in population databases (rs764252019, gnomAD 0.07%). This variant has not been reported in the literature in individuals affected with CDK5RAP2-related conditions. For these reasons, this variant has been classified as Pathogenic.

Literature cited by the submitters: PubMed 15793586; PubMed 20460369; PubMed 26436113.